The following is an entry in ClinVar:

ClinVar aggregate classification (germline): Uncertain significance (1 of 4 stars; one submission).

Submission:

Labcorp Genetics (formerly Invitae), Labcorp
Classification: Uncertain significance. Last evaluated: 2024-02-02. Review status: criteria provided, single submitter. Criteria: Invitae Variant Classification Sherloc (09022015). Collection method: clinical testing. Allele origin: germline.
Comment: This sequence change replaces leucine, which is neutral and non-polar, with tryptophan, which is neutral and slightly polar, at codon 529 of the GEN1 protein (p.Leu529Trp). This variant is not present in population databases (gnomAD no frequency). This variant has not been reported in the literature in individuals affected with GEN1-related conditions. An algorithm developed to predict the effect of missense changes on protein structure and function (PolyPhen-2) suggests that this variant is likely to be disruptive. In summary, the available evidence is currently insufficient to determine the role of this variant in disease. Therefore, it has been classified as a Variant of Uncertain Significance.

NM_001130009.3(GEN1):c.1586T>G (p.Leu529Trp)

Gene: GEN1 (GEN1 structure-specific endonuclease; plus strand). Cytogenetic location: 2p24.2.
Variant type: single nucleotide variant.
Coding change: c.1586T>G on transcript NM_001130009.3 (MANE Select); coding-DNA position 1586, T replaced by G.
Protein change: p.Leu529Trp; replaces leucine 529 with tryptophan.
Molecular consequence: missense variant.
Genome position (GRCh38, 1-based): chr2:17,780,798, T>G. VCF-style: chr2-17780798-T-G. GRCh37 (hg19) VCF-style: chr2-17962065-T-G.
Other names: c.1586T>G, p.Leu529Trp (NM_182625.5); short protein forms L529W.
Identifiers: ClinVar variation 3638279 (VCV003638279.2).